The following is an entry in ClinVar:

NM_001184.4(ATR):c.3067G>A (p.Val1023Ile)

Gene: ATR (ATR checkpoint kinase; minus strand). Cytogenetic location: 3q23.
Variant type: single nucleotide variant.
Coding change: c.3067G>A on transcript NM_001184.4 (MANE Select); coding-DNA position 3067, G replaced by A.
Protein change: p.Val1023Ile; replaces valine 1023 with isoleucine.
Molecular consequence: missense variant.
Genome position (GRCh38, 1-based): chr3:142,549,583, C>T on the plus strand (G>A on the coding strand, the complement: ATR is on the minus strand). VCF-style: chr3-142549583-C-T. GRCh37 (hg19) VCF-style: chr3-142268425-C-T.
Other names: c.2875G>A, p.Val959Ile (NM_001354579.2); short protein forms V1023I, V959I.
Identifiers: ClinVar variation 1799443 (VCV001799443.2), dbSNP rs2473363986, ClinGen allele CA354812419.
Genomic context (GRCh38, chr3:142,549,583, plus strand): 5'-AACAGACCAAATGAGAAAAAATATATTTGAAGTTGTTTATTAAAATCTCTCTACGATTGA[C>T]ATTTAATTGTTTTCCTAAAGTTCGAATGAGAGCAGAAGCTGCAGGGCTTGCTTTGGCAGC-3'
Protein context (NP_001175.2, residues 1013-1033): LIRTLGKQLN[Val1023Ile]NRREILINNF

ClinVar aggregate classification (germline): Uncertain significance (1 of 4 stars; one submission).

Conditions:
Inborn genetic diseases. Identifiers: MedGen C0950123, MeSH D030342.

Submission:

Ambry Genetics
Classification: Uncertain significance for Inborn genetic diseases. Last evaluated: 2022-09-01. Review status: criteria provided, single submitter. Criteria: Ambry Variant Classification Scheme 2023. Collection method: clinical testing. Allele origin: germline.
Comment: The p.V1023I variant (also known as c.3067G>A), located in coding exon 15 of the ATR gene, results from a G to A substitution at nucleotide position 3067. The valine at codon 1023 is replaced by isoleucine, an amino acid with highly similar properties. This amino acid position is conserved. In addition, this alteration is predicted to be tolerated by in silico analysis. Since supporting evidence is limited at this time, the clinical significance of this alteration remains unclear.